The following is an entry in ClinVar:

ClinVar aggregate classification (germline): Uncertain significance (1 of 4 stars; one submission).

Allele frequency attached by ClinVar (database versions not stated): gnomAD 0.00001.
gnomAD v4.1: 32 of 1,610,908 alleles (0.002%); highest among the groups gnomAD compares: East Asian, 0.0045%; no homozygotes.

Submission:

Labcorp Genetics (formerly Invitae), Labcorp
Classification: Uncertain significance. Last evaluated: 2022-03-04. Review status: criteria provided, single submitter. Criteria: Invitae Variant Classification Sherloc (09022015). Collection method: clinical testing. Allele origin: germline.
Comment: In summary, the available evidence is currently insufficient to determine the role of this variant in disease. Therefore, it has been classified as a Variant of Uncertain Significance. Algorithms developed to predict the effect of missense changes on protein structure and function are either unavailable or do not agree on the potential impact of this missense change (SIFT: "Deleterious"; PolyPhen-2: "Probably Damaging"; Align-GVGD: "Class C0"). This missense change has been observed in individual(s) with clinical features of LMF1-related conditions (PMID: 29910226). This variant is present in population databases (no rsID available, gnomAD 0.006%). This sequence change replaces proline, which is neutral and non-polar, with leucine, which is neutral and non-polar, at codon 86 of the LMF1 protein (p.Pro86Leu).

Literature cited by the submitters: PubMed 29910226.

NM_022773.4(LMF1):c.257C>T (p.Pro86Leu)

Gene: LMF1 (lipase maturation factor 1; minus strand). Cytogenetic location: 16p13.3.
Variant type: single nucleotide variant.
Coding change: c.257C>T on transcript NM_022773.4 (MANE Select); coding-DNA position 257, C replaced by T.
Protein change: p.Pro86Leu; replaces proline 86 with leucine.
Molecular consequence: missense variant. On other transcripts: 5 prime UTR variant (4), non-coding transcript variant (1).
Genome position (GRCh38, 1-based): chr16:954,603, G>A on the plus strand (C>T on the coding strand, the complement: LMF1 is on the minus strand). VCF-style: chr16-954603-G-A. GRCh37 (hg19) VCF-style: chr16-1004603-G-A.
Other names: c.-547C>T (NM_001352017.2); c.-298C>T (NM_001352018.2); c.-71C>T (NM_001352019.2); c.257C>T, p.Pro86Leu (NM_001352020.1); c.-449C>T (NM_001352021.2); short protein forms P86L.
Identifiers: ClinVar variation 2169583 (VCV002169583.4), dbSNP rs1269525472, ClinGen allele CA394105632.